The following is an entry in ClinVar:

ClinVar aggregate classification (germline): Pathogenic (1 of 4 stars; one submission).

Conditions:
Cardiovascular phenotype. Identifiers: MedGen CN230736.

Submission:

Ambry Genetics
Classification: Pathogenic for Cardiovascular phenotype. Last evaluated: 2016-05-17. Review status: criteria provided, single submitter. Criteria: Ambry Variant Classification Scheme 2023. Collection method: clinical testing. Allele origin: germline.
Comment: The c.805_808delCGGAinsAGT pathogenic mutation, located in coding exon 4 of the KCNH2 gene, results from the deletion of 4 nucleotides and insertion of 3 nucleotides causing a translational frameshift with a predicted alternate stop codon (p.R269Sfs*91). This alteration is expected to result in loss of function by premature protein truncation or nonsense-mediated mRNA decay. As such, this alteration is interpreted as a disease-causing mutation.

NM_000238.4(KCNH2):c.805_808delinsAGT (p.Arg269fs)

Gene: KCNH2 (potassium voltage-gated channel subfamily H member 2; minus strand). Cytogenetic location: 7q36.1.
Variant type: Indel.
Coding change: c.805_808delinsAGT on transcript NM_000238.4 (MANE Select); coding-DNA positions 805 to 808, CGGA replaced by AGT.
Protein change: p.Arg269fs; shifts the reading frame from arginine 269.
Molecular consequence: frameshift variant.
Genome position (GRCh38, 1-based): chr7:150,958,167-150,958,170, TCCG replaced by ACT on the plus strand (CGGA replaced by AGT on the coding strand, the reverse complement: KCNH2 is on the minus strand). VCF-style: chr7-150958167-TCCG-ACT. GRCh37 (hg19) VCF-style: chr7-150655255-TCCG-ACT.
Other names: c.517_520delCGGAinsAGT, p.Arg173Serfs (NM_001406753.1, NM_001406756.1); c.628_631delCGGAinsAGT, p.Arg210Serfs (NM_001406755.1); c.505_508delCGGAinsAGT, p.Arg169Serfs (NM_001406757.1); c.805_808delCGGAinsAGT, p.Arg269Serfs (NM_172056.3); short protein forms R269fs.
Identifiers: ClinVar variation 519255 (VCV000519255.7), dbSNP rs1554427697, ClinGen allele CA658797048.